The following is an entry in ClinVar:

NM_001330260.2(SCN8A):c.4G>A (p.Ala2Thr)

Genes: SCN8A (sodium voltage-gated channel alpha subunit 8; plus strand), LOC114803470 (SCN8A eExon liver enhancer; plus strand). Cytogenetic location: 12q13.13.
Variant type: single nucleotide variant.
Coding change: c.4G>A on transcript NM_001330260.2 (MANE Select); coding-DNA position 4, G replaced by A.
Protein change: p.Ala2Thr; replaces alanine 2 with threonine.
Molecular consequence: missense variant.
Genome position (GRCh38, 1-based): chr12:51,662,821, G>A. VCF-style: chr12-51662821-G-A. GRCh37 (hg19) VCF-style: chr12-52056605-G-A.
Other names: c.4G>A, p.Ala2Thr (NM_001177984.3, NM_001369788.1, NM_014191.4); short protein forms A2T.
Identifiers: ClinVar variation 1508927 (VCV001508927.9), dbSNP rs2138670848, ClinGen allele CA385227385.
Genomic context (GRCh38, chr12:51,662,821, plus strand): 5'-CAGAGCTGACCTGTCCTGGACGCAGCATAACTAACGAAGCTGCTGCAGGATGAGAAGATG[G>A]CAGCGCGGCTGCTTGCACCACCAGGCCCTGATAGTTTCAAGCCTTTCACCCCTGAGTCAC-3'
Protein context (NP_001317189.1, residues 1-12): M[Ala2Thr]ARLLAPPGPD

ClinVar aggregate classification (germline): Uncertain significance (1 of 4 stars; one submission).

Conditions:
Early-infantile DEE. Also called: Early infantile epileptic encephalopathy; Early infantile epileptic encephalopathy with suppression bursts; Ohtahara syndrome. Identifiers: Orphanet 1934, MedGen C0393706, MONDO:0800491.

Submission:

Labcorp Genetics (formerly Invitae), Labcorp
Classification: Uncertain significance for Early-infantile DEE. Last evaluated: 2021-05-28. Review status: criteria provided, single submitter. Criteria: Invitae Variant Classification Sherloc (09022015). Collection method: clinical testing. Allele origin: germline.
Comment: In summary, the available evidence is currently insufficient to determine the role of this variant in disease. Therefore, it has been classified as a Variant of Uncertain Significance. Algorithms developed to predict the effect of missense changes on protein structure and function are either unavailable or do not agree on the potential impact of this missense change (SIFT: "Tolerated"; PolyPhen-2: "Probably Damaging"; Align-GVGD: "Class C0"). This variant has not been reported in the literature in individuals with SCN8A-related conditions. This variant is not present in population databases (ExAC no frequency). This sequence change replaces alanine with threonine at codon 2 of the SCN8A protein (p.Ala2Thr). The alanine residue is moderately conserved and there is a small physicochemical difference between alanine and threonine.